The following is an entry in ClinVar:

NM_001042492.3(NF1):c.7179C>A (p.His2393Gln)

Gene: NF1 (neurofibromin 1; plus strand). Cytogenetic location: 17q11.2.
Variant type: single nucleotide variant.
Coding change: c.7179C>A on transcript NM_001042492.3 (MANE Select); coding-DNA position 7179, C replaced by A.
Protein change: p.His2393Gln; replaces histidine 2393 with glutamine.
Molecular consequence: missense variant.
Genome position (GRCh38, 1-based): chr17:31,343,125, C>A. VCF-style: chr17-31343125-C-A. GRCh37 (hg19) VCF-style: chr17-29670143-C-A.
Other names: c.7116C>A, p.His2372Gln (NM_000267.4); short protein forms H2372Q, H2393Q.
Identifiers: ClinVar variation 965911 (VCV000965911.9), dbSNP rs2069870191, ClinGen allele CA399015767.

ClinVar aggregate classification (germline): Uncertain significance. Review status: criteria provided, multiple submitters, no conflicts (2 of 4 stars). 2 submissions from 2 submitters: Uncertain significance (2). Last evaluated 2024-03-29.

Conditions:
Neurofibromatosis, type 1 (NF1). Also called: Neurofibromatosis, type I; Peripheral type neurofibromatosis; VON RECKLINGHAUSEN DISEASE; NEUROFIBROMATOSIS, TYPE I, SOMATIC. Identifiers: Orphanet 636, MedGen C0027831, MONDO:0018975, OMIM 162200. Disease mechanism: loss of function.
Cardiovascular phenotype. Identifiers: MedGen CN230736.
Hereditary cancer-predisposing syndrome. Also called: Hereditary neoplastic syndrome; Hereditary Cancer Syndrome; Tumor predisposition; Neoplastic Syndromes, Hereditary. Identifiers: Orphanet 140162, MedGen C0027672, MeSH D009386, MONDO:0015356.

Submissions (2):

Labcorp Genetics (formerly Invitae), Labcorp
Classification: Uncertain significance for Neurofibromatosis, type 1. Last evaluated: 2024-03-29. Review status: criteria provided, single submitter. Criteria: Invitae Variant Classification Sherloc (09022015). Collection method: clinical testing. Allele origin: germline.
Comment: This sequence change replaces histidine, which is basic and polar, with glutamine, which is neutral and polar, at codon 2372 of the NF1 protein (p.His2372Gln). This variant is not present in population databases (gnomAD no frequency). This variant has not been reported in the literature in individuals affected with NF1-related conditions. ClinVar contains an entry for this variant (Variation ID: 965911). Advanced modeling of protein sequence and biophysical properties (such as structural, functional, and spatial information, amino acid conservation, physicochemical variation, residue mobility, and thermodynamic stability) has been performed at Invitae for this missense variant, however the output from this modeling did not meet the statistical confidence thresholds required to predict the impact of this variant on NF1 protein function. In summary, the available evidence is currently insufficient to determine the role of this variant in disease. Therefore, it has been classified as a Variant of Uncertain Significance.

Ambry Genetics
Classification: Uncertain significance for Cardiovascular phenotype; Hereditary cancer-predisposing syndrome. Last evaluated: 2024-01-19. Review status: criteria provided, single submitter. Criteria: Ambry Variant Classification Scheme 2023. Collection method: clinical testing. Allele origin: germline.
Comment: The p.H2372Q variant (also known as c.7116C>A), located in coding exon 47 of the NF1 gene, results from a C to A substitution at nucleotide position 7116. The histidine at codon 2372 is replaced by glutamine, an amino acid with highly similar properties. This amino acid position is highly conserved in available vertebrate species. In addition, the in silico prediction for this alteration is inconclusive. Since supporting evidence is limited at this time, the clinical significance of this alteration remains unclear.